The following is an entry in ClinVar:

ClinVar aggregate classification (germline): Uncertain significance (1 of 4 stars; one submission).

Submission:

GeneDx
Classification: Uncertain significance. Last evaluated: 2026-03-13. Review status: criteria provided, single submitter. Criteria: GeneDx Variant Classification Process June 2021. Collection method: clinical testing. Allele origin: germline.
Comment: Not observed at significant frequency in large population cohorts (gnomAD); In silico analysis supports a deleterious effect on splicing; Has not been previously published as pathogenic or benign to our knowledge

NM_001170629.2(CHD8):c.1599_1601+6delinsGAAGTGAGG

Gene: CHD8 (chromodomain helicase DNA binding protein 8; minus strand). Cytogenetic location: 14q11.2.
Variant type: Indel.
Coding change: c.1599_1601+6delinsGAAGTGAGG on transcript NM_001170629.2 (MANE Select); coding-DNA position 1599 through 6 bases into the intron after coding-DNA position 1601, CAAGTGAGT replaced by GAAGTGAGG.
Molecular consequence: splice donor variant.
Genome position (GRCh38, 1-based): chr14:21,427,863-21,427,871, ACTCACTTG replaced by CCTCACTTC on the plus strand (CAAGTGAGT replaced by GAAGTGAGG on the coding strand, the reverse complement: CHD8 is on the minus strand). VCF-style: chr14-21427863-ACTCACTTG-CCTCACTTC. GRCh37 (hg19) VCF-style: chr14-21896022-ACTCACTTG-CCTCACTTC.
Other names: c.762_764+6delinsGAAGTGAGG (NM_020920.4).
Identifiers: ClinVar variation 1800933 (VCV001800933.2), dbSNP rs2502001623, ClinGen allele CA2580087828.